The following is an entry in ClinVar:

ClinVar aggregate classification (germline): Benign/Likely benign. Review status: criteria provided, multiple submitters, no conflicts (2 of 4 stars). 4 submissions from 4 submitters: Benign (1); Likely benign (3). Last evaluated 2025-12-08.

Conditions:
Juvenile polyposis syndrome (JPS). Identifiers: Orphanet 2929, MedGen C0345893, MONDO:0017380, OMIM 174900.
Hereditary cancer-predisposing syndrome. Also called: Hereditary neoplastic syndrome; Neoplastic Syndromes, Hereditary; Tumor predisposition; Hereditary Cancer Syndrome. Identifiers: Orphanet 140162, MedGen C0027672, MeSH D009386, MONDO:0015356.

gnomAD v4.1: 1 of 1,613,426 alleles (0.000062%); highest among the groups gnomAD compares: Non-Finnish European, 0.000085%; no homozygotes.

Submissions (4):

Labcorp Genetics (formerly Invitae), Labcorp
Classification: Likely benign for Juvenile polyposis syndrome. Last evaluated: 2025-12-08. Review status: criteria provided, single submitter. Criteria: Invitae Variant Classification Sherloc (09022015). Collection method: clinical testing. Allele origin: germline.

Myriad Genetics, Inc.
Classification: Benign for Juvenile polyposis syndrome. Last evaluated: 2024-08-06. Review status: criteria provided, single submitter. Criteria: Myriad Autosomal Dominant, Autosomal Recessive and X-Linked Classification Criteria (2023). Collection method: clinical testing. Allele origin: unknown.
Comment: This variant is considered benign. This variant is a silent/synonymous amino acid change and it is not expected to impact splicing.

Color Diagnostics, LLC DBA Color Health
Classification: Likely benign for Hereditary cancer-predisposing syndrome. Last evaluated: 2019-06-24. Review status: criteria provided, single submitter. Criteria: ACMG Guidelines, 2015. Collection method: clinical testing. Allele origin: germline.

Ambry Genetics
Classification: Likely benign for Hereditary cancer-predisposing syndrome. Last evaluated: 2016-01-12. Review status: criteria provided, single submitter. Criteria: Ambry Variant Classification Scheme 2023. Collection method: clinical testing. Allele origin: germline.

NM_004329.3(BMPR1A):c.1141C>T (p.Leu381=)

Gene: BMPR1A (bone morphogenetic protein receptor type 1A; plus strand). Cytogenetic location: 10q23.2.
Variant type: single nucleotide variant.
Coding change: c.1141C>T on transcript NM_004329.3 (MANE Select); coding-DNA position 1141, C replaced by T.
Protein change: p.Leu381=; no amino-acid change (leucine 381 retained).
Molecular consequence: synonymous variant.
Genome position (GRCh38, 1-based): chr10:86,919,444, C>T. VCF-style: chr10-86919444-C-T. GRCh37 (hg19) VCF-style: chr10-88679201-C-T.
Identifiers: ClinVar variation 485367 (VCV000485367.17), dbSNP rs864622566, ClinGen allele CA470373477.
Genomic context (GRCh38, chr10:86,919,444, plus strand): 5'-CGAGACCTAAAGAGCAAAAACATCCTCATCAAGAAAAATGGGAGTTGCTGCATTGCTGAC[C>T]TGGGCCTTGCTGTTAAATTCAACAGGTGAGTGGTTCTTTGCCCCACTGTTTTGAAATTAT-3'
Protein context (NP_004320.2, residues 371-391): KKNGSCCIAD[Leu381=]GLAVKFNSDT